The following is an entry in ClinVar:

NM_001267550.2(TTN):c.100231G>A (p.Val33411Met)

Genes: TTN-AS1 (TTN antisense RNA 1; plus strand), TTN (titin; minus strand), LOC126806420 (BRD4-independent group 4 enhancer GRCh37_chr2:179401104-179402303; plus strand). Cytogenetic location: 2q31.2.
Variant type: single nucleotide variant.
Coding change: c.100231G>A on transcript NM_001267550.2 (MANE Select); coding-DNA position 100231, G replaced by A.
Protein change: p.Val33411Met; replaces valine 33411 with methionine.
Molecular consequence: missense variant.
Genome position (GRCh38, 1-based): chr2:178,536,516, C>T on the plus strand (G>A on the coding strand, the complement: TTN is on the minus strand). VCF-style: chr2-178536516-C-T. GRCh37 (hg19) VCF-style: chr2-179401243-C-T.
Other names: c.95308G>A, p.Val31770Met (NM_001256850.1); c.73036G>A, p.Val24346Met (NM_003319.4); c.92527G>A, p.Val30843Met (NM_133378.4); c.73411G>A, p.Val24471Met (NM_133432.3); c.73612G>A, p.Val24538Met (NM_133437.4); short protein forms V24346M, V24471M, V24538M, V30843M, V31770M, V33411M.
Identifiers: ClinVar variation 3377918 (VCV003377918.1).
Genomic context (GRCh38, chr2:178,536,516, plus strand): 5'-TCTCAAGGTAGTAATTTCTAATCTTTGCACCTCCATCACTGGCAGGTGGCTTCCAGGCCA[C>T]AACACAAGAATCTTTTGTGACAGCAGTAATAGTTGGTTTGCCAGGAGCACCTGGCTTTTC-3'
Protein context (NP_001254479.2, residues 33401-33421): ITAVTKDSCV[Val33411Met]AWKPPASDGG

ClinVar aggregate classification (germline): Uncertain significance (1 of 4 stars; one submission).

Submission:

GeneDx
Classification: Uncertain significance. Last evaluated: 2024-05-16. Review status: criteria provided, single submitter. Criteria: GeneDx Variant Classification Process June 2021. Collection method: clinical testing. Allele origin: germline. Affected: yes.
Comment: Not observed at significant frequency in large population cohorts (gnomAD); Missense variant in a gene in which most reported pathogenic variants are truncating/loss of function; Has not been previously published as pathogenic or benign to our knowledge